The following is an entry in ClinVar:

ClinVar aggregate classification (germline): Pathogenic/Likely pathogenic. Review status: criteria provided, multiple submitters, no conflicts (2 of 4 stars). 2 submissions from 2 submitters: Pathogenic (1); Likely pathogenic (1). Last evaluated 2026-03-11.

Conditions:
Short-rib thoracic dysplasia 14 with polydactyly (SRTD14). Identifiers: Orphanet 397715, MedGen C4225286, MONDO:0014688, OMIM 616546.
Joubert syndrome 23 (JBTS23). Identifiers: Orphanet 475, MedGen C4084822, MONDO:0014664, OMIM 616490.

Allele frequency attached by ClinVar (database versions not stated): gnomAD 0.00001; TOPMed 0.00001.
gnomAD v4.1: 2 of 1,522,350 alleles (0.00013%); highest among the groups gnomAD compares: Admixed American, 0.002%; no homozygotes.

Submissions (2):

Dasa
Classification: Likely pathogenic. Last evaluated: 2026-03-11. Review status: criteria provided, single submitter. Criteria: DASA Assertion Criteria. Collection method: clinical testing. Allele origin: germline.
Comment: NM_001329943.3(KIAA0586):c.1654C>T (p.Gln552*) is a nonsense variant in KIAA0586 predicted to introduce a premature termination codon and is predicted to result in an absent or altered protein product. Loss of function is an established disease mechanism for KIAA0586-associated disorders. Also, this variant is rare in population databases. Based on the currently available evidence, this variant is classified as likely pathogenic.

Labcorp Genetics (formerly Invitae), Labcorp
Classification: Pathogenic for Joubert syndrome 23; Short-rib thoracic dysplasia 14 with polydactyly. Last evaluated: 2023-04-09. Review status: criteria provided, single submitter. Criteria: Invitae Variant Classification Sherloc (09022015). Collection method: clinical testing. Allele origin: germline.
Comment: For these reasons, this variant has been classified as Pathogenic. This variant has not been reported in the literature in individuals affected with KIAA0586-related conditions. This variant is not present in population databases (gnomAD no frequency). This sequence change creates a premature translational stop signal (p.Gln605*) in the KIAA0586 gene. It is expected to result in an absent or disrupted protein product. Loss-of-function variants in KIAA0586 are known to be pathogenic (PMID: 26096313, 26166481, 26386044).

Literature cited by the submitters: PubMed 26096313 (cited by Labcorp Genetics (formerly Invitae), Labcorp); PubMed 26166481 (cited by Labcorp Genetics (formerly Invitae), Labcorp); PubMed 26386044 (cited by Labcorp Genetics (formerly Invitae), Labcorp).

NM_001329943.3(KIAA0586):c.1654C>T (p.Gln552Ter)

Gene: KIAA0586 (KIAA0586; plus strand). Cytogenetic location: 14q23.1.
Variant type: single nucleotide variant.
Coding change: c.1654C>T on transcript NM_001329943.3 (MANE Select); coding-DNA position 1654, C replaced by T.
Protein change: p.Gln552Ter; replaces glutamine 552 with a stop codon.
Molecular consequence: nonsense.
Genome position (GRCh38, 1-based): chr14:58,458,543, C>T. VCF-style: chr14-58458543-C-T. GRCh37 (hg19) VCF-style: chr14-58925261-C-T.
Other names: c.1654C>T, p.Gln552Ter (NM_014749.5, NM_001329944.2, NM_001329946.2 and 1 more transcripts); c.1813C>T, p.Gln605Ter (NM_001244189.2); c.1609C>T, p.Gln537Ter (NM_001244190.2); c.1399C>T, p.Gln467Ter (NM_001244191.2, NM_001329945.2, NM_001364700.1 and 1 more transcripts); c.1522C>T, p.Gln508Ter (NM_001244192.2); c.1234C>T, p.Gln412Ter (NM_001244193.2); short protein forms Q412*, Q537*, Q467*, Q552*, Q508*, Q605*.
Identifiers: ClinVar variation 2932088 (VCV002932088.5), dbSNP rs2040059119, ClinGen allele CA389869513.
Genomic context (GRCh38, chr14:58,458,543, plus strand): 5'-GAGAAAATTAGGATCAGAAAGACAGTGGATGAATGGATTAAAACTATTTCTGCAGAAATT[C>T]AGGTATGTCTTGGAAAAAAACTGAAAATTAAGTGAATTCTCAGAAGATAATATTGATTCC-3'